The following is an entry in ClinVar:

ClinVar aggregate classification (germline): Uncertain significance (1 of 4 stars; one submission).

Allele frequency attached by ClinVar (database versions not stated): TOPMed below 0.00001; gnomAD 0.00001; ExAC 0.00002; gnomAD exomes 0.00002 and 0.00003; ESP Exome Variant Server 0.00008.
gnomAD v4.1: 26 of 1,613,600 alleles (0.0016%); highest among the groups gnomAD compares: Non-Finnish European, 0.00093%; no homozygotes.

Submission:

Labcorp Genetics (formerly Invitae), Labcorp
Classification: Uncertain significance. Last evaluated: 2026-01-11. Review status: criteria provided, single submitter. Criteria: Invitae Variant Classification Sherloc (09022015). Collection method: clinical testing. Allele origin: germline.
Comment: This sequence change replaces leucine, which is neutral and non-polar, with phenylalanine, which is neutral and non-polar, at codon 1721 of the CACNA1D protein (p.Leu1721Phe). This variant is present in population databases (rs376144085, gnomAD 0.07%). This variant has not been reported in the literature in individuals affected with CACNA1D-related conditions. ClinVar contains an entry for this variant (Variation ID: 1512432). An algorithm developed to predict the effect of missense changes on protein structure and function (PolyPhen-2) suggests that this variant is likely to be tolerated. In summary, the available evidence is currently insufficient to determine the role of this variant in disease. Therefore, it has been classified as a Variant of Uncertain Significance.

NM_001128840.3(CACNA1D):c.5101C>T (p.Leu1701Phe)

Gene: CACNA1D (calcium voltage-gated channel subunit alpha1 D; plus strand). Cytogenetic location: 3p21.1.
Variant type: single nucleotide variant.
Coding change: c.5101C>T on transcript NM_001128840.3 (MANE Select); coding-DNA position 5101, C replaced by T.
Protein change: p.Leu1701Phe; replaces leucine 1701 with phenylalanine.
Molecular consequence: missense variant.
Genome position (GRCh38, 1-based): chr3:53,801,118, C>T. VCF-style: chr3-53801118-C-T. GRCh37 (hg19) VCF-style: chr3-53835145-C-T.
Other names: c.5161C>T, p.Leu1721Phe (NM_000720.4); c.5056C>T, p.Leu1686Phe (NM_001128839.3); short protein forms L1721F, L1701F, L1686F.
Identifiers: ClinVar variation 1512432 (VCV001512432.8), dbSNP rs376144085, ClinGen allele CA2455079.